The following is an entry in ClinVar:

NM_000545.8(HNF1A):c.326+2T>G

Gene: HNF1A (HNF1 homeobox A; plus strand). Cytogenetic location: 12q24.31.
Variant type: single nucleotide variant.
Coding change: c.326+2T>G on transcript NM_000545.8 (MANE Select); the canonical splice donor site of the intron after coding-DNA position 326, T replaced by G.
Molecular consequence: splice donor variant.
Genome position (GRCh38, 1-based): chr12:120,979,096, T>G. VCF-style: chr12-120979096-T-G. GRCh37 (hg19) VCF-style: chr12-121416899-T-G.
Other names: c.326+2T>G (NM_001306179.2, NM_001406915.1).
Identifiers: ClinVar variation 447486 (VCV000447486.6), dbSNP rs1555210478, ClinGen allele CA386955008.
Genomic context (GRCh38, chr12:120,979,096, plus strand): 5'-GAGAACCTCAGCCCTGAGGAGGCGGCCCACCAGAAAGCCGTGGTGGAGACCCTTCTGCAG[T>G]AAGGAGCCCTGCCCCGTCCCCGCTCCCAGGAGAGCCTAGAGGGGCCCCCCTCAGCTCCTA-3'

ClinVar aggregate classification (germline): Pathogenic. Review status: reviewed by expert panel (3 of 4 stars). 3 submissions from 3 submitters: Pathogenic (1). 2 of the submissions do not count toward it. Last evaluated 2025-11-21.

Conditions:
Monogenic diabetes. Identifiers: Orphanet 183625, MedGen C3888631, MONDO:0015967.
Maturity-onset diabetes of the young (MODY). Also called: Maturity onset diabetes mellitus in young. Identifiers: Orphanet 552, MedGen C0342276, MONDO:0018911, HP:0004904.

Submissions (3):

ClinGen Monogenic Diabetes Variant Curation Expert Panel
Classification: Pathogenic for Monogenic diabetes. Last evaluated: 2025-11-21. Review status: reviewed by expert panel. Criteria: ClinGen Diabetes ACMG Specifications HNF1A V3.1.0. Collection method: curation. Allele origin: germline. Inheritance: Autosomal dominant inheritance.
Comment: The c.326+2T>G variant in the HNF1 homeobox A gene, HNF1A, is predicted to remove a canonical splice donor site in intron 1 of NM_000545.8. This variant is predicted to cause skipping of biologically-relevant exon 2 of 10, resulting in a frameshift, leading to nonsense mediated decay in a gene in which loss-of-function is an established disease mechanism (PVS1; PMID: 23348805). This variant is also absent from gnomAD v4.1.0 (PM2_Supporting). Other variants within the same splice donor +1,2 dinucleotide (c.326+1G>A, c.326+1G>C, and c.326+1G>T) have been classified as pathogenic by ClinGen MDEP specifications (PS1_Supporting). In summary, c.326+2T>G meets the criteria to be classified as pathogenic for monogenic diabetes. ACMG/AMP criteria applied, as specified by the ClinGen MDEP (specification version 3.1.0, approved 10/10/2025): PVS1, PS1_Supporting, PM2_Supporting.

Athena Diagnostics
Classification: Pathogenic. Last evaluated: 2017-03-02. Review status: criteria provided, single submitter. Criteria: Athena Diagnostics Criteria. Collection method: clinical testing. Allele origin: germline. Not counted in ClinVar's aggregate classification.

Clinical Genomics, Uppaluri K&H Personalized Medicine Clinic
Classification: Likely pathogenic for Maturity-onset diabetes of the young. Review status: criteria provided, single submitter. Criteria: K & H Uppaluri Personalized Medicine Clinic Variant Classification & Assertion Criteria_Updated V.1. Collection method: research. Allele origin: unknown. Inheritance: Autosomal dominant inheritance. Not counted in ClinVar's aggregate classification.
Comment: Mutations in HNF1A gene can predispose to MODY3. It is associated with both micro and macrovascular complications of diabetes, especially cardiovascular complications. Associated with glucosuria. May respond well to sulfonylureas. However, more evidence is required to confer the association of this particular variant rs1555210478 with MODY3.

Literature cited by the submitters: PubMed 23348805 (cited by ClinGen Monogenic Diabetes Variant Curation Expert Panel); PubMed 31517624 (cited by Clinical Genomics, Uppaluri K&H Personalized Medicine Clinic); PubMed 32395877 (cited by Clinical Genomics, Uppaluri K&H Personalized Medicine Clinic); PubMed 35328643 (cited by Clinical Genomics, Uppaluri K&H Personalized Medicine Clinic); PubMed 35673428 (cited by Clinical Genomics, Uppaluri K&H Personalized Medicine Clinic).